The following is an entry in ClinVar:

NM_000264.5(PTCH1):c.2729C>G (p.Ala910Gly)

Gene: PTCH1 (patched 1; minus strand). Cytogenetic location: 9q22.32.
Variant type: single nucleotide variant.
Coding change: c.2729C>G on transcript NM_000264.5 (MANE Select); coding-DNA position 2729, C replaced by G.
Protein change: p.Ala910Gly; replaces alanine 910 with glycine.
Molecular consequence: missense variant. On other transcripts: non-coding transcript variant (1).
Genome position (GRCh38, 1-based): chr9:95,459,758, G>C on the plus strand (C>G on the coding strand, the complement: PTCH1 is on the minus strand). VCF-style: chr9-95459758-G-C. GRCh37 (hg19) VCF-style: chr9-98222040-G-C.
Other names: c.2531C>G, p.Ala844Gly (NM_001083602.3); c.2726C>G, p.Ala909Gly (NM_001083603.3); c.2276C>G, p.Ala759Gly (NM_001083604.3, NM_001083605.3, NM_001083606.3 and 1 more transcripts); c.2573C>G, p.Ala858Gly (NM_001354918.2); short protein forms A844G, A909G, A858G, A910G, A759G.
Identifiers: ClinVar variation 2009013 (VCV002009013.4), dbSNP rs2136673014, ClinGen allele CA374113208.

ClinVar aggregate classification (germline): Uncertain significance (1 of 4 stars; one submission).

Conditions:
Gorlin syndrome. Also called: Nevoid Basal Cell Carcinoma Syndrome; Basal cell nevus syndrome. Identifiers: Orphanet 377, MedGen C0004779, MONDO:0007187.

Submission:

Labcorp Genetics (formerly Invitae), Labcorp
Classification: Uncertain significance for Gorlin syndrome. Last evaluated: 2022-06-22. Review status: criteria provided, single submitter. Criteria: Invitae Variant Classification Sherloc (09022015). Collection method: clinical testing. Allele origin: germline.
Comment: In summary, the available evidence is currently insufficient to determine the role of this variant in disease. Therefore, it has been classified as a Variant of Uncertain Significance. Advanced modeling of protein sequence and biophysical properties (such as structural, functional, and spatial information, amino acid conservation, physicochemical variation, residue mobility, and thermodynamic stability) performed at Invitae indicates that this missense variant is not expected to disrupt PTCH1 protein function. This variant has not been reported in the literature in individuals affected with PTCH1-related conditions. This variant is not present in population databases (gnomAD no frequency). This sequence change replaces alanine, which is neutral and non-polar, with glycine, which is neutral and non-polar, at codon 910 of the PTCH1 protein (p.Ala910Gly).